The following is an entry in ClinVar:

ClinVar aggregate classification (germline): Uncertain significance (1 of 4 stars; one submission).

Conditions:
Polycystic kidney disease, adult type (PKD1). Also called: Polycystic Kidney Disease 1, Autosomal Dominant; Polycystic kidney disease 1; Polycystic kidney disease 1, severe; POLYCYSTIC KIDNEY DISEASE, ADULT, TYPE I; Polycystic Kidney, Autosomal Dominant; POLYCYSTIC KIDNEY DISEASE 1 WITH OR WITHOUT POLYCYSTIC LIVER DISEASE. Identifiers: MedGen C3149841, MONDO:0008263, OMIM 173900.

Submission:

Victorian Clinical Genetics Services, Murdoch Childrens Research Institute
Classification: Uncertain significance for Polycystic kidney disease, adult type. Last evaluated: 2026-02-17. Review status: criteria provided, single submitter. Criteria: ACMG Guidelines, 2015. Collection method: clinical testing. Allele origin: germline. Affected: yes.
Comment: This variant is classified as VUS-3B. Evidence in support of pathogenic classification: In-frame deletion in a non-repetitive region that has low conservation; Variant is absent from gnomAD (v2, v3 and v4). Additional information: This variant is heterozygous; This gene is associated with autosomal dominant disease. Polycystic kidney disease 1 (MIM#173900) is predominantly caused by monoallelic variants, with rare reports of biallelic variants causing disease (OMIM); This variant has no previous evidence of pathogenicity; No published evidence of segregation with disease has been identified for this variant; No published functional evidence has been identified for this variant; No comparable in-frame deletion variants have previous evidence for pathogenicity; Variant is not located in an established domain, motif, hotspot or informative constraint region; Loss of function is a known mechanism of disease in this gene and is associated with polycystic kidney disease 1 (MIM#173900); Inheritance information for this variant is not currently available in this individual.

NM_001009944.3(PKD1):c.7873_7908del (p.Ala2625_Arg2636del)

Gene: PKD1 (polycystin 1, transient receptor potential channel interacting; minus strand). Cytogenetic location: 16p13.3.
Variant type: Deletion.
Coding change: c.7873_7908del on transcript NM_001009944.3 (MANE Select); coding-DNA positions 7873 to 7908, 36 bases deleted.
Protein change: p.Ala2625_Arg2636del.
Molecular consequence: inframe deletion.
Genome position (GRCh38, 1-based): chr16:2,105,430-2,105,465, 36 bases deleted; deleting any 36 consecutive bases within chr16:2,105,430-2,105,473 gives the same sequence; the c. name uses the placement nearest the transcript's 3' end. GRCh37 (hg19): chr16:2,155,439-2,155,474.
Other names: c.7873_7908del, p.Ala2625_Arg2636del (NM_000296.4).
Identifiers: ClinVar variation 4879612 (VCV004879612.1).